The following is an entry in ClinVar:

ClinVar aggregate classification (germline): Pathogenic/Likely pathogenic. Review status: criteria provided, multiple submitters, no conflicts (2 of 4 stars). 6 submissions from 6 submitters: Pathogenic (2); Likely pathogenic (4). Last evaluated 2026-04-14.

Conditions:
Progressive familial intrahepatic cholestasis (PFIC). Also called: Progressive family intrahepatic cholestasis; Progressive intrahepatic cholestasis. Identifiers: Orphanet 172, MedGen C0268312, MONDO:0015762.
Familial intrahepatic cholestasis. Identifiers: Orphanet 284385, MedGen CN296401, MONDO:0017290.
Progressive familial intrahepatic cholestasis type 1. Also called: Severe ATP8B1 Deficiency (Progressive Familial Intrahepatic Cholestasis Type 1 [PFIC1]); Byler's disease; BYLER DISEASE. Identifiers: Orphanet 79306, MedGen C4551898, MONDO:0008892, OMIM 211600.
Cholestasis, intrahepatic, of pregnancy, 1 (ICP1). Also called: CHOLESTASIS, PREGNANCY-RELATED, 1. Identifiers: Orphanet 69665, MedGen C3549845, MONDO:0007829, OMIM 147480.
Benign recurrent intrahepatic cholestasis type 1. Also called: Mild-to-Moderate ATP8B1 Deficiency (Benign Recurrent Intrahepatic Cholestasis 1 [BRIC1]); SUMMERSKILL SYNDROME. Identifiers: Orphanet 65682, Orphanet 99960, MedGen C4551899, MONDO:0009469, OMIM 243300.

Allele frequency attached by ClinVar (database versions not stated): TOPMed below 0.00001; gnomAD exomes 0.00001.
gnomAD v4.1: 16 of 1,614,084 alleles (0.00099%); highest among the groups gnomAD compares: Non-Finnish European, 0.0014%; no homozygotes.

Submissions (6):

Genomenon, Inc
Classification: Likely pathogenic for Familial intrahepatic cholestasis. Last evaluated: 2026-04-14. Review status: criteria provided, single submitter. Criteria: Genomenon Sequence Variant Interpretation Standards - Updated. Collection method: curation. Allele origin: germline. Affected: yes.
Comment: ATP8B1 p.Gly446Arg (c.1336G>A) is a missense variant that changes the amino acid at residue 446 from Glycine to Arginine. This variant has been observed in at least one proband with features of ATP8B1-deficiency (PMID:40851490;33215027;20232290;26382629;26678486). It has been observed in trans with a pathogenic or likely pathogenic variant (PMID:33215027;20232290;26382629). It is absent or not present at a significant frequency in gnomAD. In silico models predict that this variant is possibly or probably damaging. In conclusion, we classify ATP8B1 p.Gly446Arg (c.1336G>A) as a likely pathogenic variant.

3billion
Classification: Likely pathogenic for Progressive familial intrahepatic cholestasis type 1. Last evaluated: 2025-11-05. Review status: criteria provided, single submitter. Criteria: ACMG Guidelines, 2015. Collection method: clinical testing. Allele origin: germline. Affected: yes.
Comment: The variant is observed at an extremely low frequency in the gnomAD v4.1.0 dataset (total allele frequency: 0.001%). Predicted Consequence/Location: Missense variant. The majority of the known disease-causing variants of this gene are variants expected to result in premature termination of the protein. In silico tool predictions suggest damaging effect of the variant on gene or gene product [REVEL: 0.97 (>=0.6, sensitivity 0.68 and specificity 0.92); 3Cnet: 0.99 (> 0.75, sensitivity 0.96 and precision 0.92)]. The same nucleotide change resulting in the same amino acid change has been previously reported as pathogenic/likely pathogenic with strong evidence (ClinVar ID: VCV002736747 /PMID: 12927934). Therefore, this variant is classified as Likely pathogenic according to the recommendation of ACMG/AMP guideline.

Department of Human Genetics, Hannover Medical School
Classification: Likely pathogenic for Progressive familial intrahepatic cholestasis type 1. Last evaluated: 2024-07-30. Review status: criteria provided, single submitter. Criteria: ACMG Guidelines, 2015. Collection method: clinical testing. Allele origin: germline. Affected: yes.

Fulgent Genetics
Classification: Likely pathogenic for Cholestasis, intrahepatic, of pregnancy, 1; Progressive familial intrahepatic cholestasis type 1; Benign recurrent intrahepatic cholestasis type 1. Last evaluated: 2024-05-22. Review status: criteria provided, single submitter. Criteria: ACMG Guidelines, 2015. Collection method: clinical testing. Allele origin: germline.

Women's Health and Genetics/Laboratory Corporation of America, LabCorp
Classification: Pathogenic for Progressive familial intrahepatic cholestasis. Last evaluated: 2024-05-16. Review status: criteria provided, single submitter. Criteria: LabCorp Variant Classification Summary - May 2015. Collection method: clinical testing. Allele origin: germline.
Comment: Variant summary: ATP8B1 c.1336G>A (p.Gly446Arg) results in a non-conservative amino acid change located in the P-type ATPase, haloacid dehalogenase domain (IPR044492) of the encoded protein sequence. Five of five in-silico tools predict a damaging effect of the variant on protein function. The variant was absent in 251492 control chromosomes. c.1336G>A has been reported in the literature in multiple homozygous or compound heterozygous individuals affected with Familial Intrahepatic Cholestasis (e.g. Giovannoni_2015, Li_2015, vanWessel_2021). These data indicate that the variant is very likely to be associated with disease. To our knowledge, no experimental evidence demonstrating an impact on protein function has been reported. The following publications have been ascertained in the context of this evaluation (PMID: 26678486, 26382629, 33666275). ClinVar contains an entry for this variant (Variation ID: 2736747). Based on the evidence outlined above, the variant was classified as pathogenic.

Labcorp Genetics (formerly Invitae), Labcorp
Classification: Pathogenic. Last evaluated: 2023-04-27. Review status: criteria provided, single submitter. Criteria: Invitae Variant Classification Sherloc (09022015). Collection method: clinical testing. Allele origin: germline.
Comment: This variant is present in population databases (no rsID available, gnomAD 0.007%). This sequence change replaces glycine, which is neutral and non-polar, with arginine, which is basic and polar, at codon 446 of the ATP8B1 protein (p.Gly446Arg). This missense change has been observed in individual(s) with progressive familial intrahepatic cholestasis type 1 (PMID: 12927934, 20232290, 33666275). In at least one individual the data is consistent with being in trans (on the opposite chromosome) from a pathogenic variant. Advanced modeling of protein sequence and biophysical properties (such as structural, functional, and spatial information, amino acid conservation, physicochemical variation, residue mobility, and thermodynamic stability) performed at Invitae indicates that this missense variant is expected to disrupt ATP8B1 protein function. For these reasons, this variant has been classified as Pathogenic.

Literature cited by the submitters: PubMed 40851490 (cited by Genomenon, Inc); PubMed 33215027 (cited by Genomenon, Inc); PubMed 20232290 (cited by Genomenon, Inc and Labcorp Genetics (formerly Invitae), Labcorp); PubMed 26382629 (cited by Genomenon, Inc and Women's Health and Genetics/Laboratory Corporation of America, LabCorp); PubMed 26678486 (cited by Genomenon, Inc and Women's Health and Genetics/Laboratory Corporation of America, LabCorp); PubMed 12927934 (cited by 3billion and Labcorp Genetics (formerly Invitae), Labcorp); PubMed 33666275 (cited by Women's Health and Genetics/Laboratory Corporation of America, LabCorp and Labcorp Genetics (formerly Invitae), Labcorp).

NM_001374385.1(ATP8B1):c.1336G>A (p.Gly446Arg)

Gene: ATP8B1 (ATPase phospholipid transporting 8B1; minus strand). Cytogenetic location: 18q21.31.
Variant type: single nucleotide variant.
Coding change: c.1336G>A on transcript NM_001374385.1 (MANE Select); coding-DNA position 1336, G replaced by A.
Protein change: p.Gly446Arg; replaces glycine 446 with arginine.
Molecular consequence: missense variant.
Genome position (GRCh38, 1-based): chr18:57,688,392, C>T on the plus strand (G>A on the coding strand, the complement: ATP8B1 is on the minus strand). VCF-style: chr18-57688392-C-T. GRCh37 (hg19) VCF-style: chr18-55355624-C-T.
Other names: c.1186G>A, p.Gly396Arg (NM_001374386.1); c.1336G>A, p.Gly446Arg (NM_005603.6); short protein forms G446R, G396R.
Identifiers: ClinVar variation 2736747 (VCV002736747.8), dbSNP rs1443328607, ClinGen allele CA402537661.